The following is an entry in ClinVar:

NM_018006.5(TRMU):c.936dup (p.Ile313fs)

Gene: TRMU (tRNA mitochondrial 2-thiouridylase; plus strand). Cytogenetic location: 22q13.31.
Variant type: Duplication.
Coding change: c.936dup on transcript NM_018006.5 (MANE Select); coding-DNA position 936, one base duplicated (G; older notation c.936dupG).
Protein change: p.Ile313fs; shifts the reading frame from isoleucine 313.
Molecular consequence: frameshift variant. On other transcripts: non-coding transcript variant (2).
Genome position (GRCh38, 1-based): chr22:46,355,506, G duplicated; the last of 2 consecutive G bases (chr22:46,355,505-46,355,506); duplicating either gives the same sequence. VCF-style (leftmost placement, unchanged base first): chr22-46355504-T-TG. GRCh37 (hg19) VCF-style: chr22-46751401-T-TG.
Other names: c.*380dup (NM_001008568.2); c.*474dup (NM_001008570.2); c.594dup, p.Ile199fs (NM_001282782.2); c.516dup, p.Ile173fs (NM_001282783.2, NM_001282784.2); c.936dup, p.Ile313fs (NM_001282785.2); short protein forms I173fs, I199fs, I313fs.
Identifiers: ClinVar variation 2844881 (VCV002844881.3), dbSNP rs2518211396, ClinGen allele CA2739268017.

ClinVar aggregate classification (germline): Pathogenic (1 of 4 stars; one submission).

Submission:

Labcorp Genetics (formerly Invitae), Labcorp
Classification: Pathogenic. Last evaluated: 2023-03-10. Review status: criteria provided, single submitter. Criteria: Invitae Variant Classification Sherloc (09022015). Collection method: clinical testing. Allele origin: germline.
Comment: For these reasons, this variant has been classified as Pathogenic. This variant disrupts a region of the TRMU protein in which other variant(s) (c.1102-3C>G) have been determined to be pathogenic (PMID: 21931168). This suggests that this is a clinically significant region of the protein, and that variants that disrupt it are likely to be disease-causing. This variant has not been reported in the literature in individuals affected with TRMU-related conditions. This variant is not present in population databases (gnomAD no frequency). This sequence change creates a premature translational stop signal (p.Ile313Aspfs*93) in the TRMU gene. While this is not anticipated to result in nonsense mediated decay, it is expected to disrupt the last 109 amino acid(s) of the TRMU protein.

Literature cited by the submitters: PubMed 21931168.